The following is an entry in ClinVar:

ClinVar aggregate classification (germline): Uncertain significance (1 of 4 stars; one submission).

gnomAD v4.1: 3 of 1,613,644 alleles (0.00019%); highest among the groups gnomAD compares: Admixed American, 0.0033%; no homozygotes.

Submission:

Labcorp Genetics (formerly Invitae), Labcorp
Classification: Uncertain significance. Last evaluated: 2022-04-28. Review status: criteria provided, single submitter. Criteria: Invitae Variant Classification Sherloc (09022015). Collection method: clinical testing. Allele origin: germline.
Comment: This sequence change affects codon 1585 of the COL27A1 mRNA. It is a 'silent' change, meaning that it does not change the encoded amino acid sequence of the COL27A1 protein. This variant also falls at the last nucleotide of exon 52, which is part of the consensus splice site for this exon. This variant is present in population databases (rs199727235, gnomAD 0.006%). This variant has not been reported in the literature in individuals affected with COL27A1-related conditions. Variants that disrupt the consensus splice site are a relatively common cause of aberrant splicing (PMID: 17576681, 9536098). Algorithms developed to predict the effect of sequence changes on RNA splicing suggest that this variant may disrupt the consensus splice site. In summary, the available evidence is currently insufficient to determine the role of this variant in disease. Therefore, it has been classified as a Variant of Uncertain Significance.

Literature cited by the submitters: PubMed 17576681; PubMed 9536098.

NM_032888.4(COL27A1):c.4755G>C (p.Pro1585=)

Gene: COL27A1 (collagen type XXVII alpha 1 chain; plus strand). Cytogenetic location: 9q32.
Variant type: single nucleotide variant.
Coding change: c.4755G>C on transcript NM_032888.4 (MANE Select); coding-DNA position 4755, G replaced by C.
Protein change: p.Pro1585=; no amino-acid change (proline 1585 retained).
Molecular consequence: synonymous variant.
Genome position (GRCh38, 1-based): chr9:114,301,125, G>C. VCF-style: chr9-114301125-G-C. GRCh37 (hg19) VCF-style: chr9-117063405-G-C.
Identifiers: ClinVar variation 2152687 (VCV002152687.1), dbSNP rs199727235, ClinGen allele CA5203070.